The following is an entry in ClinVar:

NM_015662.3(IFT172):c.2947A>G (p.Lys983Glu)

Gene: IFT172 (intraflagellar transport 172; minus strand). Cytogenetic location: 2p23.3.
Variant type: single nucleotide variant.
Coding change: c.2947A>G on transcript NM_015662.3 (MANE Select); coding-DNA position 2947, A replaced by G.
Protein change: p.Lys983Glu; replaces lysine 983 with glutamic acid.
Molecular consequence: missense variant.
Genome position (GRCh38, 1-based): chr2:27,458,154, T>C on the plus strand (A>G on the coding strand, the complement: IFT172 is on the minus strand). VCF-style: chr2-27458154-T-C. GRCh37 (hg19) VCF-style: chr2-27681021-T-C.
Other names: c.2881A>G, p.Lys961Glu (NM_001410739.1); c.2947A>G (NM_015662.2); short protein forms K961E, K983E.
Identifiers: ClinVar variation 1928737 (VCV001928737.6), dbSNP rs2465856346, ClinGen allele CA346381094.
Genomic context (GRCh38, chr2:27,458,154, plus strand): 5'-CCCTCTACACCTCCTCTGGGGCCACGGCTCACCTTTCAGCCTCACGGTACTTGCCCTGCT[T>C]CTCCATTTCCTGGGCCTGAGTGATGTATAGCACTGACACATCTTCTGGTCTCATGCATTT-3'
Protein context (NP_056477.1, residues 973-993): LYITQAQEME[Lys983Glu]QGKYREAERL

ClinVar aggregate classification (germline): Uncertain significance. Review status: criteria provided, single submitter (1 of 4 stars). 2 submissions from 2 submitters: Uncertain significance (1). 1 of the submissions does not count toward it. Last evaluated 2024-11-05.

Conditions:
IFT172-related disorder. Also called: IFT172-related condition; IFT172-related disorders.
Short-rib thoracic dysplasia 10 with or without polydactyly (SRTD10). Identifiers: Orphanet 474, MedGen C3810175, MONDO:0014284, OMIM 615630.
Retinitis pigmentosa 71 (RP71). Identifiers: Orphanet 791, MedGen C4225342, MONDO:0014618, OMIM 616394.

Submissions (2):

Labcorp Genetics (formerly Invitae), Labcorp
Classification: Uncertain significance for Retinitis pigmentosa 71; Short-rib thoracic dysplasia 10 with or without polydactyly. Last evaluated: 2024-11-05. Review status: criteria provided, single submitter. Criteria: Invitae Variant Classification Sherloc (09022015). Collection method: clinical testing. Allele origin: germline.
Comment: This sequence change replaces lysine, which is basic and polar, with glutamic acid, which is acidic and polar, at codon 983 of the IFT172 protein (p.Lys983Glu). This variant is not present in population databases (gnomAD no frequency). This variant has not been reported in the literature in individuals affected with IFT172-related conditions. ClinVar contains an entry for this variant (Variation ID: 1928737). Invitae Evidence Modeling of protein sequence and biophysical properties (such as structural, functional, and spatial information, amino acid conservation, physicochemical variation, residue mobility, and thermodynamic stability) indicates that this missense variant is not expected to disrupt IFT172 protein function with a negative predictive value of 95%. In summary, the available evidence is currently insufficient to determine the role of this variant in disease. Therefore, it has been classified as a Variant of Uncertain Significance.

PreventionGenetics, part of Exact Sciences
Classification: Uncertain significance for IFT172-related condition. Last evaluated: 2024-09-02. Review status: no assertion criteria provided. Collection method: clinical testing. Allele origin: germline. Not counted in ClinVar's aggregate classification.
Comment: The IFT172 c.2947A>G variant is predicted to result in the amino acid substitution p.Lys983Glu. To our knowledge, this variant has not been reported in the literature or in a large population database, indicating this variant is rare. At this time, the clinical significance of this variant is uncertain due to the absence of conclusive functional and genetic evidence.